The following is an entry in ClinVar:

NM_000129.4(F13A1):c.508G>A (p.Val170Ile)

Gene: F13A1 (coagulation factor XIII A chain; minus strand). Cytogenetic location: 6p25.1.
Variant type: single nucleotide variant.
Coding change: c.508G>A on transcript NM_000129.4 (MANE Select); coding-DNA position 508, G replaced by A.
Protein change: p.Val170Ile; replaces valine 170 with isoleucine.
Molecular consequence: missense variant.
Genome position (GRCh38, 1-based): chr6:6,266,621, C>T on the plus strand (G>A on the coding strand, the complement: F13A1 is on the minus strand). VCF-style: chr6-6266621-C-T. GRCh37 (hg19) VCF-style: chr6-6266854-C-T.
Other names: short protein forms V170I.
Identifiers: ClinVar variation 4083605 (VCV004083605.9).

ClinVar aggregate classification (germline): Conflicting classifications of pathogenicity. Review status: criteria provided, conflicting classifications (1 of 4 stars). 2 submissions from 2 submitters: Uncertain significance (1); Likely benign (1). Last evaluated 2025-07-01.

gnomAD v4.1: 164 of 1,614,170 alleles (0.01%); highest among the groups gnomAD compares: African/African-American, 0.069%; no homozygotes.

Submissions (2):

CeGaT Center for Human Genetics Tuebingen
Classification: Uncertain significance. Last evaluated: 2025-07-01. Review status: criteria provided, single submitter. Criteria: CeGaT Center For Human Genetics Tuebingen Variant Classification Criteria Version 2. Collection method: clinical testing. Allele origin: germline. Affected: yes. Observed: 1 variant allele.
Comment: F13A1: PM2, BP4

Blueprint Genetics
Classification: Likely benign. Last evaluated: 2024-06-20. Review status: criteria provided, single submitter. Criteria: ACMG Guidelines, 2015. Collection method: clinical testing. Allele origin: germline.